The following is an entry in ClinVar:

NM_000059.4(BRCA2):c.2021A>G (p.Glu674Gly)

Gene: BRCA2 (BRCA2 DNA repair associated; plus strand). Cytogenetic location: 13q13.1.
Variant type: single nucleotide variant.
Coding change: c.2021A>G on transcript NM_000059.4 (MANE Select); coding-DNA position 2021, A replaced by G.
Protein change: p.Glu674Gly; replaces glutamic acid 674 with glycine.
Molecular consequence: missense variant.
Genome position (GRCh38, 1-based): chr13:32,336,376, A>G. VCF-style: chr13-32336376-A-G. GRCh37 (hg19) VCF-style: chr13-32910513-A-G.
Other names: short protein forms E674G.
Identifiers: ClinVar variation 820547 (VCV000820547.15), dbSNP rs56311811, ClinGen allele CA247500461.

ClinVar aggregate classification (germline): Conflicting classifications of pathogenicity. Review status: criteria provided, conflicting classifications (1 of 4 stars). 3 submissions from 3 submitters: Uncertain significance (2); Likely benign (1). Last evaluated 2025-06-10.

Conditions:
Hereditary cancer-predisposing syndrome. Also called: Neoplastic Syndromes, Hereditary; Tumor predisposition; Hereditary Cancer Syndrome; Hereditary neoplastic syndrome. Identifiers: Orphanet 140162, MedGen C0027672, MeSH D009386, MONDO:0015356.
Hereditary breast ovarian cancer syndrome. Also called: Hereditary breast and/or ovarian cancer syndrome; BRCA1- and BRCA2-Associated Hereditary Breast and Ovarian Cancer; Hereditary breast and ovarian cancer syndrome; Hereditary breast and ovarian cancer; Hereditary breast and ovarian cancer syndrome (HBOC); Breast and ovarian cancer. Identifiers: Orphanet 145, MedGen C0677776, MeSH D061325, MONDO:0003582. Disease mechanism: loss of function.

Submissions (3):

Labcorp Genetics (formerly Invitae), Labcorp
Classification: Uncertain significance for Hereditary breast ovarian cancer syndrome. Last evaluated: 2025-06-10. Review status: criteria provided, single submitter. Criteria: Invitae Variant Classification Sherloc (09022015). Collection method: clinical testing. Allele origin: germline.
Comment: This sequence change replaces glutamic acid, which is acidic and polar, with glycine, which is neutral and non-polar, at codon 674 of the BRCA2 protein (p.Glu674Gly). This variant is not present in population databases (gnomAD no frequency). This variant has not been reported in the literature in individuals affected with BRCA2-related conditions. ClinVar contains an entry for this variant (Variation ID: 820547). Invitae Evidence Modeling of protein sequence and biophysical properties (such as structural, functional, and spatial information, amino acid conservation, physicochemical variation, residue mobility, and thermodynamic stability) indicates that this missense variant is not expected to disrupt BRCA2 protein function with a negative predictive value of 95%. In summary, the available evidence is currently insufficient to determine the role of this variant in disease. Therefore, it has been classified as a Variant of Uncertain Significance.

University of Washington Department of Laboratory Medicine, University of Washington
Classification: Likely benign for Hereditary cancer-predisposing syndrome. Last evaluated: 2023-03-23. Review status: criteria provided, single submitter. Criteria: Dines et al. (Genet Med. 2020). Collection method: curation. Allele origin: germline.
Comment: Missense variant in a coldspot region where missense variants are very unlikely to be pathogenic (PMID:31911673).

BRCA2 exon 11 coldspot. Reclassification based on statistical prior probability.

Ambry Genetics
Classification: Uncertain significance for Hereditary cancer-predisposing syndrome. Last evaluated: 2019-05-23. Review status: criteria provided, single submitter. Criteria: Ambry Variant Classification Scheme 2023. Collection method: clinical testing. Allele origin: germline.
Comment: The p.E674G variant (also known as c.2021A>G), located in coding exon 10 of the BRCA2 gene, results from an A to G substitution at nucleotide position 2021. The glutamic acid at codon 674 is replaced by glycine, an amino acid with similar properties. This amino acid position is not well conserved in available vertebrate species. In addition, this alteration is predicted to be tolerated by in silico analysis. Since supporting evidence is limited at this time, the clinical significance of this alteration remains unclear.